The following is an entry in ClinVar:

ClinVar aggregate classification (germline): Uncertain significance. Review status: criteria provided, multiple submitters, no conflicts (2 of 4 stars). 3 submissions from 3 submitters: Uncertain significance (3). Last evaluated 2024-10-07.

Conditions:
Primary ciliary dyskinesia. Also called: Ciliary dyskinesia. Identifiers: Orphanet 244, MedGen C0008780, MONDO:0016575, HP:0012265.
Spermatogenic failure 46. Identifiers: MedGen C5436799, MONDO:0033673, OMIM 619095.

Allele frequency attached by ClinVar (database versions not stated): TOPMed 0.00002.
gnomAD v4.1: 82 of 1,613,998 alleles (0.0051%); highest among the groups gnomAD compares: South Asian, 0.086%; 2 homozygotes.

Submissions (3):

Ambry Genetics
Classification: Uncertain significance. Last evaluated: 2024-10-07. Review status: criteria provided, single submitter. Criteria: Ambry Variant Classification Scheme 2023. Collection method: clinical testing. Allele origin: germline.

Labcorp Genetics (formerly Invitae), Labcorp
Classification: Uncertain significance for Primary ciliary dyskinesia. Last evaluated: 2021-08-20. Review status: criteria provided, single submitter. Criteria: Invitae Variant Classification Sherloc (09022015). Collection method: clinical testing. Allele origin: germline.
Comment: This sequence change replaces tyrosine with cysteine at codon 222 of the DNAH8 protein (p.Tyr222Cys). The tyrosine residue is moderately conserved and there is a large physicochemical difference between tyrosine and cysteine. This variant is present in population databases (rs753974456, ExAC 0.08%). This variant has not been reported in the literature in individuals affected with DNAH8-related conditions. Algorithms developed to predict the effect of missense changes on protein structure and function are either unavailable or do not agree on the potential impact of this missense change (SIFT: "Deleterious"; PolyPhen-2: "Not Available"; Align-GVGD: "Class C0"). In summary, the available evidence is currently insufficient to determine the role of this variant in disease. Therefore, it has been classified as a Variant of Uncertain Significance.

Johns Hopkins Genomics, Johns Hopkins University
Classification: Uncertain significance for Spermatogenic failure 46. Last evaluated: 2021-01-19. Review status: criteria provided, single submitter. Criteria: ACMG Guidelines, 2015. Collection method: clinical testing. Allele origin: germline.
Comment: This DNAH8 variant (rs753974456) is rare (<0.1%) in a large population dataset (gnomAD: 31/282634 total alleles; 0.01%; no homozygotes) and has not been reported in ClinVar nor the literature, to our knowledge. Of two bioinformatics tools queried, one predicts that the substitution would be damaging, while the other predicts that it would be tolerated. The tyrosine residue at this position is highly evolutionarily conserved across most species assessed. We consider the clinical significance of c.629A>G to be uncertain at this time.

NM_001206927.2(DNAH8):c.665A>G (p.Tyr222Cys)

Gene: DNAH8 (dynein axonemal heavy chain 8; plus strand). Cytogenetic location: 6p21.2.
Variant type: single nucleotide variant.
Coding change: c.665A>G on transcript NM_001206927.2 (MANE Select); coding-DNA position 665, A replaced by G.
Protein change: p.Tyr222Cys; replaces tyrosine 222 with cysteine.
Molecular consequence: missense variant.
Genome position (GRCh38, 1-based): chr6:38,734,528, A>G. VCF-style: chr6-38734528-A-G. GRCh37 (hg19) VCF-style: chr6-38702304-A-G.
Other names: c.14A>G, p.Tyr5Cys (NM_001371.4); short protein forms Y222C, Y5C.
Identifiers: ClinVar variation 996094 (VCV000996094.8), dbSNP rs753974456, ClinGen allele CA3788009.